The following is an entry in ClinVar:

ClinVar aggregate classification (germline): Uncertain significance (1 of 4 stars; one submission).

Allele frequency attached by ClinVar (database versions not stated): gnomAD exomes below 0.00001; TOPMed below 0.00001.
gnomAD v4.1: 1 of 1,611,584 alleles (0.000062%); highest among the groups gnomAD compares: Non-Finnish European, 0.000085%; no homozygotes.

Submission:

Labcorp Genetics (formerly Invitae), Labcorp
Classification: Uncertain significance. Last evaluated: 2022-08-06. Review status: criteria provided, single submitter. Criteria: Invitae Variant Classification Sherloc (09022015). Collection method: clinical testing. Allele origin: germline.
Comment: This sequence change replaces methionine, which is neutral and non-polar, with valine, which is neutral and non-polar, at codon 765 of the KIF11 protein (p.Met765Val). This variant is not present in population databases (gnomAD no frequency). This variant has not been reported in the literature in individuals affected with KIF11-related conditions. Algorithms developed to predict the effect of missense changes on protein structure and function (SIFT, PolyPhen-2, Align-GVGD) all suggest that this variant is likely to be tolerated. In summary, the available evidence is currently insufficient to determine the role of this variant in disease. Therefore, it has been classified as a Variant of Uncertain Significance.

NM_004523.4(KIF11):c.2293A>G (p.Met765Val)

Gene: KIF11 (kinesin family member 11; plus strand). Cytogenetic location: 10q23.33.
Variant type: single nucleotide variant.
Coding change: c.2293A>G on transcript NM_004523.4 (MANE Select); coding-DNA position 2293, A replaced by G.
Protein change: p.Met765Val; replaces methionine 765 with valine.
Molecular consequence: missense variant.
Genome position (GRCh38, 1-based): chr10:92,645,388, A>G. VCF-style: chr10-92645388-A-G. GRCh37 (hg19) VCF-style: chr10-94405145-A-G.
Other names: short protein forms M765V.
Identifiers: ClinVar variation 2027998 (VCV002027998.4), dbSNP rs1844907705, ClinGen allele CA377593893.